The following is an entry in ClinVar:

NM_000428.3(LTBP2):c.3368G>T (p.Gly1123Val)

Gene: LTBP2 (latent transforming growth factor beta binding protein 2; minus strand). Cytogenetic location: 14q24.3.
Variant type: single nucleotide variant.
Coding change: c.3368G>T on transcript NM_000428.3 (MANE Select); coding-DNA position 3368, G replaced by T.
Protein change: p.Gly1123Val; replaces glycine 1123 with valine.
Molecular consequence: missense variant.
Genome position (GRCh38, 1-based): chr14:74,509,273, C>A on the plus strand (G>T on the coding strand, the complement: LTBP2 is on the minus strand). VCF-style: chr14-74509273-C-A. GRCh37 (hg19) VCF-style: chr14-74975976-C-A.
Other names: c.3368G>T (NM_000428.2); short protein forms G1123V.
Identifiers: ClinVar variation 2183729 (VCV002183729.4), dbSNP rs777123454, ClinGen allele CA7269198.

ClinVar aggregate classification (germline): Uncertain significance. Review status: criteria provided, multiple submitters, no conflicts (2 of 4 stars). 2 submissions from 2 submitters: Uncertain significance (2). Last evaluated 2023-11-07.

Conditions:
Inborn genetic diseases. Identifiers: MedGen C0950123, MeSH D030342.

Allele frequency attached by ClinVar (database versions not stated): gnomAD 0.00001; TOPMed 0.00001; ExAC 0.00002; gnomAD exomes 0.00004.
gnomAD v4.1: 56 of 1,613,508 alleles (0.0035%); highest among the groups gnomAD compares: Non-Finnish European, 0.0047%; no homozygotes.

Submissions (2):

Ambry Genetics
Classification: Uncertain significance for Inborn genetic diseases. Last evaluated: 2023-11-07. Review status: criteria provided, single submitter. Criteria: Ambry Variant Classification Scheme 2023. Collection method: clinical testing. Allele origin: germline.

Labcorp Genetics (formerly Invitae), Labcorp
Classification: Uncertain significance. Last evaluated: 2022-03-27. Review status: criteria provided, single submitter. Criteria: Invitae Variant Classification Sherloc (09022015). Collection method: clinical testing. Allele origin: germline.
Comment: In summary, the available evidence is currently insufficient to determine the role of this variant in disease. Therefore, it has been classified as a Variant of Uncertain Significance. Algorithms developed to predict the effect of missense changes on protein structure and function (SIFT, PolyPhen-2, Align-GVGD) all suggest that this variant is likely to be disruptive. This variant has not been reported in the literature in individuals affected with LTBP2-related conditions. This variant is present in population databases (rs777123454, gnomAD 0.006%). This sequence change replaces glycine, which is neutral and non-polar, with valine, which is neutral and non-polar, at codon 1123 of the LTBP2 protein (p.Gly1123Val).